The following is an entry in ClinVar:

NM_004614.5(TK2):c.461C>T (p.Pro154Leu)

Gene: TK2 (thymidine kinase 2; minus strand). Cytogenetic location: 16q21.
Variant type: single nucleotide variant.
Coding change: c.461C>T on transcript NM_004614.5 (MANE Select); coding-DNA position 461, C replaced by T.
Protein change: p.Pro154Leu; replaces proline 154 with leucine.
Molecular consequence: missense variant. On other transcripts: non-coding transcript variant (1), intron variant (1).
Genome position (GRCh38, 1-based): chr16:66,517,866, G>A on the plus strand (C>T on the coding strand, the complement: TK2 is on the minus strand). VCF-style: chr16-66517866-G-A. GRCh37 (hg19) VCF-style: chr16-66551769-G-A.
Other names: c.368C>T, p.Pro123Leu (NM_001172643.1); c.386C>T, p.Pro129Leu (NM_001172644.2); c.407C>T, p.Pro136Leu (NM_001172645.2); c.314C>T, p.Pro105Leu (NM_001271934.2); c.170C>T, p.Pro57Leu (NM_001272050.2); c.357-4055C>T (NM_001271935.1); short protein forms P105L, P123L, P129L, P136L, P154L, P57L.
Identifiers: ClinVar variation 3778855 (VCV003778855.2).
Genomic context (GRCh38, chr16:66,517,866, plus strand): 5'-ACGTCCATGTTCCTCAAGATCCAGTCAAACCATTCCGACAGAACTACATAGTCCACTTCT[G>A]GCATCTTCCCACTGCAATGAGAGTTGTAAGGGCTTATTCACCTAAGAGAAAACTTCTGGG-3'
Protein context (NP_004605.4, residues 144-164): VENLYRSGKM[Pro154Leu]EVDYVVLSEW

ClinVar aggregate classification (germline): Uncertain significance (1 of 4 stars; one submission).

Conditions:
Mitochondrial disease. Also called: Mitochondrial disorders; Mitochondrial disorder. Identifiers: Orphanet 68380, MedGen C0751651, MeSH D028361, MONDO:0044970.

Submission:

Genomenon, Inc
Classification: Uncertain significance for Mitochondrial disease. Last evaluated: 2025-11-24. Review status: criteria provided, single submitter. Criteria: Genomenon Sequence Variant Interpretation Standards - Updated. Collection method: curation. Allele origin: germline. Affected: yes.
Comment: TK2 p.Pro154Leu (c.461C>T) is a missense variant that changes the amino acid at residue 154 from Proline to Leucine. This variant has been observed in a proband affected with mitochondrial disease in the compound heterozygous state (32572108). This variant is not present at a significant frequency in gnomAD and in silico models agree that this variant is possibly or probably damaging. In conclusion, we classify TK2 p.Pro154Leu (c.461C>T) as a variant of uncertain significance.

Literature cited by the submitters: PubMed 32572108; PubMed 16504786.